The following is an entry in ClinVar:

NM_001083962.2(TCF4):c.1552G>T (p.Glu518Ter)

Gene: TCF4 (transcription factor 4; minus strand). Cytogenetic location: 18q21.2.
Variant type: single nucleotide variant.
Coding change: c.1552G>T on transcript NM_001083962.2 (MANE Select); coding-DNA position 1552, G replaced by T.
Protein change: p.Glu518Ter; replaces glutamic acid 518 with a stop codon.
Molecular consequence: nonsense.
Genome position (GRCh38, 1-based): chr18:55,232,606, C>A on the plus strand (G>T on the coding strand, the complement: TCF4 is on the minus strand). VCF-style: chr18-55232606-C-A. GRCh37 (hg19) VCF-style: chr18-52899837-C-A.
Other names: c.1858G>T, p.Glu620Ter (NM_001243226.3); c.1480G>T, p.Glu494Ter (NM_001243227.2, NM_001306207.1, NM_001348217.1 and 5 more transcripts); c.1570G>T, p.Glu524Ter (NM_001243228.2); c.1543G>T, p.Glu515Ter (NM_001243230.2); c.1426G>T, p.Glu476Ter (NM_001243231.2, NM_001348211.2); c.1339G>T, p.Glu447Ter (NM_001243232.1, NM_001306208.1); c.1162G>T, p.Glu388Ter (NM_001243233.2, NM_001330605.3, NM_001348212.2 and 1 more transcripts); c.1072G>T, p.Glu358Ter (NM_001243234.2, NM_001243235.2, NM_001243236.2 and 1 more transcripts); and 6 more; short protein forms E518*, E388*, E495*, E517*, E357*, E493*, E524*, E620*.
Identifiers: ClinVar variation 577819 (VCV000577819.6), dbSNP rs1555718063, ClinGen allele CA402530041.

ClinVar aggregate classification (germline): Pathogenic (1 of 4 stars; one submission).

Conditions:
Pitt-Hopkins syndrome (PTHS). Also called: ENCEPHALOPATHY, SEVERE EPILEPTIC, WITH AUTONOMIC DYSFUNCTION; MENTAL RETARDATION, SYNDROMAL, WITH INTERMITTENT HYPERVENTILATION. Identifiers: Orphanet 2896, MedGen C1970431, MONDO:0012589, OMIM 610954.

Submission:

Labcorp Genetics (formerly Invitae), Labcorp
Classification: Pathogenic for Pitt-Hopkins syndrome. Last evaluated: 2018-06-26. Review status: criteria provided, single submitter. Criteria: Invitae Variant Classification Sherloc (09022015). Collection method: clinical testing. Allele origin: germline.
Comment: This sequence change creates a premature translational stop signal (p.Glu518*) in the TCF4 gene. It is expected to result in an absent or disrupted protein product. This variant is not present in population databases (ExAC no frequency). For these reasons, this variant has been classified as Pathogenic. Loss-of-function variants in TCF4 are known to be pathogenic (PMID: 18728071, 22045651). This variant has not been reported in the literature in individuals with TCF4-related disease.

Literature cited by the submitters: PubMed 18728071; PubMed 22045651.